The following is an entry in ClinVar:

ClinVar aggregate classification (germline): Uncertain significance (1 of 4 stars; one submission).

Conditions:
Cowden syndrome (CS). Also called: Cowden's disease; Cowden's syndrome; Cowden disease. Identifiers: Orphanet 201, MedGen C0018553, MONDO:0016063. Disease mechanism: gain of function.

Submission:

Labcorp Genetics (formerly Invitae), Labcorp
Classification: Uncertain significance for Cowden syndrome. Last evaluated: 2025-09-08. Review status: criteria provided, single submitter. Criteria: Invitae Variant Classification Sherloc (09022015). Collection method: clinical testing. Allele origin: germline.
Comment: This sequence change affects an acceptor splice site in intron 9 of the PIK3CA gene. It is expected to disrupt RNA splicing. Variants that disrupt the donor or acceptor splice site typically lead to a loss of protein function (PMID: 16199547), however the current clinical and genetic evidence is not sufficient to establish whether loss-of-function variants in PIK3CA cause disease. This variant is not present in population databases (gnomAD no frequency). This variant has not been reported in the literature in individuals affected with PIK3CA-related conditions. ClinVar contains an entry for this variant (Variation ID: 1381975). Algorithms developed to predict the effect of sequence changes on RNA splicing suggest that this variant may disrupt the consensus splice site. In summary, the available evidence is currently insufficient to determine the role of this variant in disease. Therefore, it has been classified as a Variant of Uncertain Significance.

Literature cited by the submitters: PubMed 16199547.

NM_006218.4(PIK3CA):c.1540-1G>T

Gene: PIK3CA (phosphatidylinositol-4,5-bisphosphate 3-kinase catalytic subunit alpha; plus strand). Cytogenetic location: 3q26.32.
Variant type: single nucleotide variant.
Coding change: c.1540-1G>T on transcript NM_006218.4 (MANE Select); the canonical splice acceptor site of the intron before coding-DNA position 1540, G replaced by T.
Molecular consequence: splice acceptor variant.
Genome position (GRCh38, 1-based): chr3:179,218,209, G>T. VCF-style: chr3-179218209-G-T. GRCh37 (hg19) VCF-style: chr3-178935997-G-T.
Identifiers: ClinVar variation 1381975 (VCV001381975.6), dbSNP rs2108407893, ClinGen allele CA355264432.